The following is an entry in ClinVar:

NM_003482.4(KMT2D):c.2399A>G (p.Gln800Arg)

Gene: KMT2D (lysine methyltransferase 2D; minus strand). Cytogenetic location: 12q13.12.
Variant type: single nucleotide variant.
Coding change: c.2399A>G on transcript NM_003482.4 (MANE Select); coding-DNA position 2399, A replaced by G.
Protein change: p.Gln800Arg; replaces glutamine 800 with arginine.
Molecular consequence: missense variant.
Genome position (GRCh38, 1-based): chr12:49,051,284, T>C on the plus strand (A>G on the coding strand, the complement: KMT2D is on the minus strand). VCF-style: chr12-49051284-T-C. GRCh37 (hg19) VCF-style: chr12-49445067-T-C.
Other names: short protein forms Q800R.
Identifiers: ClinVar variation 3242135 (VCV003242135.1), dbSNP rs2120667270.

ClinVar aggregate classification (germline): Uncertain significance (1 of 4 stars; one submission).

Conditions:
Kabuki syndrome 1 (KABUK1). Also called: KMT2D-Related Kabuki Syndrome. Identifiers: Orphanet 2322, MedGen CN030661, MONDO:0007843, OMIM 147920.

Submission:

Neuberg Centre For Genomic Medicine, NCGM
Classification: Uncertain significance for Kabuki syndrome 1. Review status: criteria provided, single submitter. Criteria: ACMG Guidelines, 2015. Collection method: clinical testing. Allele origin: germline. Inheritance: Autosomal dominant inheritance. Affected: yes.
Comment: The observed missense c.2399A>G(p.Gln800Arg) variant in KMT2D gene has not been reported previously as a pathogenic variant nor a benign variant, to our knowledge. The p.Gln800Arg variant is absent in gnomAD Exomes. This variant has not been submitted to the ClinVar database. The amino acid Gln at position 800 is changed to a Arg changing protein sequence and it might alter its composition and physico-chemical properties. Multiple lines of computational evidence (Polyphen - Benign, SIFT - Tolerated and MutationTaster - Polymorphism) predict no damaging effect on protein structure and function for this variant. For these reasons, this variant has been classified as a Variant of Uncertain Significance (VUS).